The following is an entry in ClinVar:

ClinVar aggregate classification (germline): Likely pathogenic (1 of 4 stars; one submission).

Conditions:
Autosomal recessive polycystic kidney disease (ARPKD). Also called: AR polycystic kidney disease. Identifiers: Orphanet 731, Orphanet 8378, MedGen C0085548, MeSH D017044, MONDO:0009889.

Submission:

Natera, Inc.
Classification: Likely pathogenic for Autosomal recessive polycystic kidney disease. Last evaluated: 2024-10-03. Review status: criteria provided, single submitter. Criteria: Natera Variant Classification Schema (03/2026). Collection method: clinical testing. Allele origin: germline.
Comment: The c.2484C>G variant in PKHD1 is a nonsense variant predicted to introduce a stop codon at amino acid 828. This variant is expected to result in nonsense mediated decay, truncation, or a dysfunctional protein product. This variant is rare in the general population with a frequency below the threshold expected for the associated phenotype(s). Given the available evidence, this variant is classified as Likely Pathogenic.

NM_138694.4(PKHD1):c.2484C>G (p.Tyr828Ter)

Gene: PKHD1 (PKHD1 ciliary IPT domain containing fibrocystin/polyductin; minus strand). Cytogenetic location: 6p12.2.
Variant type: single nucleotide variant.
Coding change: c.2484C>G on transcript NM_138694.4 (MANE Select); coding-DNA position 2484, C replaced by G.
Protein change: p.Tyr828Ter; replaces tyrosine 828 with a stop codon.
Molecular consequence: nonsense.
Genome position (GRCh38, 1-based): chr6:52,046,112, G>C on the plus strand (C>G on the coding strand, the complement: PKHD1 is on the minus strand). VCF-style: chr6-52046112-G-C. GRCh37 (hg19) VCF-style: chr6-51910910-G-C.
Other names: c.2484C>G, p.Tyr828Ter (NM_170724.3); short protein forms Y828*.
Identifiers: ClinVar variation 4816608 (VCV004816608.1).